The following is an entry in ClinVar:

ClinVar aggregate classification (germline): Uncertain significance (1 of 4 stars; one submission).

gnomAD v4.1: 3 of 1,614,176 alleles (0.00019%); highest among the groups gnomAD compares: South Asian, 0.0011%; no homozygotes.

Submission:

GeneDx
Classification: Uncertain significance. Last evaluated: 2023-10-03. Review status: criteria provided, single submitter. Criteria: GeneDx Variant Classification Process June 2021. Collection method: clinical testing. Allele origin: germline. Affected: yes.
Comment: Not observed at significant frequency in large population cohorts (gnomAD); In silico analysis supports that this missense variant has a deleterious effect on protein structure/function; Has not been previously published as pathogenic or benign to our knowledge

NM_003383.5(VLDLR):c.1459G>A (p.Asp487Asn)

Genes: VLDLR (very low density lipoprotein receptor; plus strand), LOC130001471 (ATAC-STARR-seq lymphoblastoid silent region 19736; plus strand). Cytogenetic location: 9p24.2.
Variant type: single nucleotide variant.
Coding change: c.1459G>A on transcript NM_003383.5 (MANE Select); coding-DNA position 1459, G replaced by A.
Protein change: p.Asp487Asn; replaces aspartic acid 487 with asparagine.
Molecular consequence: missense variant.
Genome position (GRCh38, 1-based): chr9:2,645,720, G>A. VCF-style: chr9-2645720-G-A. GRCh37 (hg19) VCF-style: chr9-2645720-G-A.
Other names: c.1459G>A, p.Asp487Asn (NM_001018056.3); c.1336G>A, p.Asp446Asn (NM_001322225.2, NM_001322226.2); short protein forms D446N, D487N.
Identifiers: ClinVar variation 3252471 (VCV003252471.1), dbSNP rs1271175065.